The following is an entry in ClinVar:

NM_006086.4(TUBB3):c.1226C>T (p.Thr409Ile)

Gene: TUBB3 (tubulin beta 3 class III; plus strand). Cytogenetic location: 16q24.3.
Variant type: single nucleotide variant.
Coding change: c.1226C>T on transcript NM_006086.4 (MANE Select); coding-DNA position 1226, C replaced by T.
Protein change: p.Thr409Ile; replaces threonine 409 with isoleucine.
Molecular consequence: missense variant.
Genome position (GRCh38, 1-based): chr16:89,935,677, C>T. VCF-style: chr16-89935677-C-T. GRCh37 (hg19) VCF-style: chr16-90002085-C-T.
Other names: c.1010C>T, p.Thr337Ile (NM_001197181.2); short protein forms T337I, T409I.
Identifiers: ClinVar variation 3184757 (VCV003184757.4), dbSNP rs2030430315, ClinGen allele CA397477014.

ClinVar aggregate classification (germline): Uncertain significance. Review status: criteria provided, multiple submitters, no conflicts (2 of 4 stars). 2 submissions from 2 submitters: Uncertain significance (2). Last evaluated 2025-11-20.

Conditions:
Inborn genetic diseases. Identifiers: MedGen C0950123, MeSH D030342.

Allele frequency attached by ClinVar (database versions not stated): gnomAD exomes below 0.00001; gnomAD 0.00004; TOPMed 0.00004.
gnomAD v4.1: 10 of 1,613,738 alleles (0.00062%); highest among the groups gnomAD compares: Admixed American, 0.012%; no homozygotes.

Submissions (2):

Ambry Genetics
Classification: Uncertain significance for Inborn genetic diseases. Last evaluated: 2025-11-20. Review status: criteria provided, single submitter. Criteria: Ambry Variant Classification Scheme 2023. Collection method: clinical testing. Allele origin: germline.

Labcorp Genetics (formerly Invitae), Labcorp
Classification: Uncertain significance. Last evaluated: 2024-06-12. Review status: criteria provided, single submitter. Criteria: Invitae Variant Classification Sherloc (09022015). Collection method: clinical testing. Allele origin: germline.
Comment: This sequence change replaces threonine, which is neutral and polar, with isoleucine, which is neutral and non-polar, at codon 409 of the TUBB3 protein (p.Thr409Ile). This variant is not present in population databases (gnomAD no frequency). This variant has not been reported in the literature in individuals affected with TUBB3-related conditions. Advanced modeling of protein sequence and biophysical properties (such as structural, functional, and spatial information, amino acid conservation, physicochemical variation, residue mobility, and thermodynamic stability) performed at Invitae indicates that this missense variant is not expected to disrupt TUBB3 protein function with a negative predictive value of 80%. In summary, the available evidence is currently insufficient to determine the role of this variant in disease. Therefore, it has been classified as a Variant of Uncertain Significance.